The following is an entry in ClinVar:

NM_001386298.1(CIC):c.4341G>A (p.Ser1447=)

Gene: CIC (capicua transcriptional repressor; plus strand). Cytogenetic location: 19q13.2.
Variant type: single nucleotide variant.
Coding change: c.4341G>A on transcript NM_001386298.1 (MANE Select); coding-DNA position 4341, G replaced by A.
Protein change: p.Ser1447=; no amino-acid change (serine 1447 retained).
Molecular consequence: synonymous variant.
Genome position (GRCh38, 1-based): chr19:42,290,382, G>A. VCF-style: chr19-42290382-G-A. GRCh37 (hg19) VCF-style: chr19-42794534-G-A.
Other names: c.4341G>A, p.Ser1447= (NM_001304815.2, NM_001379480.1, NM_001379482.1); c.1614G>A, p.Ser538= (NM_001379484.1, NM_001379485.1, NM_015125.5).
Identifiers: ClinVar variation 3388543 (VCV003388543.14).
Genomic context (GRCh38, chr19:42,290,382, plus strand): 5'-GGATCCTCCTGTAGCCTTTGGCAAAGGCTATGGTTCCGCCCCATCCTCCTCTGCGTCCTC[G>A]CCTGCTTCCTCCTCAGCCTCGGCAGCCACCTCCTTCTCACTGGGCTCAGGAACCTTCAAG-3'
Protein context (NP_001373227.1, residues 1437-1457): YGSAPSSSAS[Ser1447=]PASSSASAAT

ClinVar aggregate classification (germline): Likely benign (1 of 4 stars; one submission).

gnomAD v4.1: 209 of 1,613,952 alleles (0.013%); highest among the groups gnomAD compares: African/African-American, 0.22%; no homozygotes.

Submission:

CeGaT Center for Human Genetics Tuebingen
Classification: Likely benign. Last evaluated: 2024-09-01. Review status: criteria provided, single submitter. Criteria: CeGaT Center For Human Genetics Tuebingen Variant Classification Criteria Version 2. Collection method: clinical testing. Allele origin: germline. Affected: yes. Observed: 1 variant allele.
Comment: CIC: BP4, BP7, BS1